The following is an entry in ClinVar:

NM_000360.4(TH):c.120C>A (p.Ser40Arg)

Gene: TH (tyrosine hydroxylase; minus strand). Cytogenetic location: 11p15.5.
Variant type: single nucleotide variant.
Coding change: c.120C>A on transcript NM_000360.4 (MANE Select); coding-DNA position 120, C replaced by A.
Protein change: p.Ser40Arg; replaces serine 40 with arginine.
Molecular consequence: missense variant.
Genome position (GRCh38, 1-based): chr11:2,169,842, G>T on the plus strand (C>A on the coding strand, the complement: TH is on the minus strand). VCF-style: chr11-2169842-G-T. GRCh37 (hg19) VCF-style: chr11-2191072-G-T.
Other names: c.213C>A, p.Ser71Arg (NM_199292.3); c.201C>A, p.Ser67Arg (NM_199293.3); short protein forms S67R, S71R, S40R.
Identifiers: ClinVar variation 1379223 (VCV001379223.6), dbSNP rs766048900, ClinGen allele CA379112497.

ClinVar aggregate classification (germline): Uncertain significance (1 of 4 stars; one submission).

Conditions:
TH-deficient dopa-responsive dystonia. Also called: Tyrosine Hydroxylase-Deficient Dopa-Responsive Dystonia; Segawa syndrome, autosomal recessive; DYT-TH. Identifiers: Orphanet 101150, MedGen C2673535, MONDO:0011551, OMIM 605407.

gnomAD v4.1: 1 of 1,610,422 alleles (0.000062%); highest among the groups gnomAD compares: Non-Finnish European, 0.000085%; no homozygotes.

Submission:

Labcorp Genetics (formerly Invitae), Labcorp
Classification: Uncertain significance for TH-deficient dopa-responsive dystonia. Last evaluated: 2022-06-27. Review status: criteria provided, single submitter. Criteria: Invitae Variant Classification Sherloc (09022015). Collection method: clinical testing. Allele origin: germline.
Comment: Advanced modeling of protein sequence and biophysical properties (such as structural, functional, and spatial information, amino acid conservation, physicochemical variation, residue mobility, and thermodynamic stability) performed at Invitae indicates that this missense variant is not expected to disrupt TH protein function. This variant has not been reported in the literature in individuals affected with TH-related conditions. This variant is not present in population databases (gnomAD no frequency). This sequence change replaces serine, which is neutral and polar, with arginine, which is basic and polar, at codon 71 of the TH protein (p.Ser71Arg). In summary, the available evidence is currently insufficient to determine the role of this variant in disease. Therefore, it has been classified as a Variant of Uncertain Significance.